The following is an entry in ClinVar:

NM_001556.3(IKBKB):c.1364+5C>T

Gene: IKBKB (inhibitor of nuclear factor kappa B kinase subunit beta; plus strand). Cytogenetic location: 8p11.21.
Variant type: single nucleotide variant.
Coding change: c.1364+5C>T on transcript NM_001556.3 (MANE Select); 5 bases into the intron after coding-DNA position 1364, C replaced by T.
Molecular consequence: intron variant.
Genome position (GRCh38, 1-based): chr8:42,318,680, C>T. VCF-style: chr8-42318680-C-T. GRCh37 (hg19) VCF-style: chr8-42176198-C-T.
Other names: c.1187+5C>T (NM_001242778.2); c.1172+5C>T (NM_001190720.3).
Identifiers: ClinVar variation 1388328 (VCV001388328.3), dbSNP rs752596848, ClinGen allele CA4731969.

ClinVar aggregate classification (germline): Uncertain significance (1 of 4 stars; one submission).

Conditions:
Severe combined immunodeficiency due to IKK2 deficiency. Also called: Immunodeficiency 15; IMMUNODEFICIENCY 15B. Identifiers: Orphanet 397787, MedGen C4747743, MONDO:0014267, OMIM 615592.

Allele frequency attached by ClinVar (database versions not stated): ExAC 0.00002; gnomAD 0.00002 and 0.00001.
gnomAD v4.1: 8 of 1,582,014 alleles (0.00051%); highest among the groups gnomAD compares: Admixed American, 0.0038%; no homozygotes.

Submission:

Labcorp Genetics (formerly Invitae), Labcorp
Classification: Uncertain significance for Severe combined immunodeficiency due to IKK2 deficiency. Last evaluated: 2021-05-31. Review status: criteria provided, single submitter. Criteria: Invitae Variant Classification Sherloc (09022015). Collection method: clinical testing. Allele origin: germline.
Comment: This sequence change falls in intron 13 of the IKBKB gene. It does not directly change the encoded amino acid sequence of the IKBKB protein. It affects a nucleotide within the consensus splice site of the intron. This variant is present in population databases (rs752596848, ExAC 0.01%). This variant has not been reported in the literature in individuals with IKBKB-related conditions. Nucleotide substitutions within the consensus splice site are a relatively common cause of aberrant splicing (PMID: 17576681, 9536098). Algorithms developed to predict the effect of sequence changes on RNA splicing suggest that this variant is not likely to affect RNA splicing, but this prediction has not been confirmed by published transcriptional studies. In summary, the available evidence is currently insufficient to determine the role of this variant in disease. Therefore, it has been classified as a Variant of Uncertain Significance.

Literature cited by the submitters: PubMed 17576681; PubMed 9536098.